The following is an entry in ClinVar:

NM_000256.3(MYBPC3):c.2394T>C (p.Asp798=)

Gene: MYBPC3 (myosin binding protein C3; minus strand). Cytogenetic location: 11p11.2.
Variant type: single nucleotide variant.
Coding change: c.2394T>C on transcript NM_000256.3 (MANE Select); coding-DNA position 2394, T replaced by C.
Protein change: p.Asp798=; no amino-acid change (aspartic acid 798 retained).
Molecular consequence: synonymous variant.
Genome position (GRCh38, 1-based): chr11:47,337,709, A>G on the plus strand (T>C on the coding strand, the complement: MYBPC3 is on the minus strand). VCF-style: chr11-47337709-A-G. GRCh37 (hg19) VCF-style: chr11-47359260-A-G.
Identifiers: ClinVar variation 918289 (VCV000918289.12), dbSNP rs970928136, ClinGen allele CA221688892.

ClinVar aggregate classification (germline): Likely benign. Review status: criteria provided, multiple submitters, no conflicts (2 of 4 stars). 4 submissions from 4 submitters: Likely benign (4). Last evaluated 2024-10-14.

Conditions:
Cardiovascular phenotype. Identifiers: MedGen CN230736.
Cardiomyopathy (CMYO). Also called: Cardiomyopathies. Identifiers: Orphanet 167848, MedGen C0878544, MONDO:0004994, HP:0001638. Inheritance: Various modes of inheritance.
Hypertrophic cardiomyopathy. Also called: HYPERTROPHIC MYOCARDIOPATHY. Identifiers: Orphanet 217569, MedGen C0007194, MeSH D002312, MONDO:0005045, HP:0001639.

Allele frequency attached by ClinVar (database versions not stated): gnomAD 0.00001; gnomAD exomes 0.00001; TOPMed 0.00001.
gnomAD v4.1: 17 of 1,576,224 alleles (0.0011%); highest among the groups gnomAD compares: Non-Finnish European, 0.0014%; no homozygotes.

Submissions (4):

Ambry Genetics
Classification: Likely benign for Cardiovascular phenotype. Last evaluated: 2024-10-14. Review status: criteria provided, single submitter. Criteria: Ambry Variant Classification Scheme 2023. Collection method: clinical testing. Allele origin: germline.

All of Us Research Program, National Institutes of Health
Classification: Likely benign for Hypertrophic cardiomyopathy. Last evaluated: 2023-12-01. Review status: criteria provided, single submitter. Criteria: ACMG Guidelines, 2015. Collection method: clinical testing. Allele origin: germline. Inheritance: Autosomal dominant inheritance. Observed: 4 variant alleles, 4 heterozygotes.
Comment: This study involves interpretation of variants in research participants for the purpose of population health screening. Participant phenotype was not available at the time of variant classification. Additional details can be found in publication PMID: 35346344, PMCID: PMC8962531

Labcorp Genetics (formerly Invitae), Labcorp
Classification: Likely benign for Hypertrophic cardiomyopathy. Last evaluated: 2023-06-23. Review status: criteria provided, single submitter. Criteria: Invitae Variant Classification Sherloc (09022015). Collection method: clinical testing. Allele origin: germline.

Color Diagnostics, LLC DBA Color Health
Classification: Likely benign for Cardiomyopathy. Last evaluated: 2019-10-01. Review status: criteria provided, single submitter. Criteria: ACMG Guidelines, 2015. Collection method: clinical testing. Allele origin: germline.